The following is an entry in ClinVar:

NM_001379451.1(BCORL1):c.1768C>A (p.Gln590Lys)

Gene: BCORL1 (BCL6 corepressor like 1; plus strand). Cytogenetic location: Xq26.1.
Variant type: single nucleotide variant.
Coding change: c.1768C>A on transcript NM_001379451.1 (MANE Select); coding-DNA position 1768, C replaced by A.
Protein change: p.Gln590Lys; replaces glutamine 590 with lysine.
Molecular consequence: missense variant.
Genome position (GRCh38, 1-based): chrX:130,014,540, C>A. VCF-style: chrX-130014540-C-A. GRCh37 (hg19) VCF-style: chrX-129148516-C-A.
Other names: c.1768C>A, p.Gln590Lys (NM_001184772.3, NM_001379450.1, NM_021946.5); short protein forms Q590K.
Identifiers: ClinVar variation 3364750 (VCV003364750.1).
Genomic context (GRCh38, chrX:130,014,540, plus strand): 5'-GCCCCCAGTGGGAGCTCAGCCCCACCGCACCCCGCCAAGATGCCCAGTGGCACCGAGCAG[C>A]AAACAGAAGGGACTTCCGTTACCTTCTCTCCTCTTAAGTCACCGCCACAGCTGGAACGAG-3'
Protein context (NP_001366380.1, residues 580-600): PAKMPSGTEQ[Gln590Lys]TEGTSVTFSP

ClinVar aggregate classification (germline): Uncertain significance (1 of 4 stars; one submission).

Submission:

GeneDx
Classification: Uncertain significance. Last evaluated: 2023-11-21. Review status: criteria provided, single submitter. Criteria: GeneDx Variant Classification Process June 2021. Collection method: clinical testing. Allele origin: germline. Affected: yes.
Comment: Not observed at significant frequency in large population cohorts (gnomAD); In silico analysis supports that this missense variant does not alter protein structure/function; Has not been previously published as pathogenic or benign to our knowledge